The following is an entry in ClinVar:

ClinVar aggregate classification (germline): Uncertain significance (1 of 4 stars; one submission).

Conditions:
Nephronophthisis. Also called: Juvenile Nephronophthisis. Identifiers: Orphanet 655, MedGen C0687120, MONDO:0019005, HP:0000090.

Submission:

Labcorp Genetics (formerly Invitae), Labcorp
Classification: Uncertain significance for Nephronophthisis. Last evaluated: 2021-04-10. Review status: criteria provided, single submitter. Criteria: Invitae Variant Classification Sherloc (09022015). Collection method: clinical testing. Allele origin: germline.
Comment: This sequence change replaces arginine with lysine at codon 1286 of the NPHP3 protein (p.Arg1286Lys). The arginine residue is highly conserved and there is a small physicochemical difference between arginine and lysine. In summary, the available evidence is currently insufficient to determine the role of this variant in disease. Therefore, it has been classified as a Variant of Uncertain Significance. Algorithms developed to predict the effect of sequence changes on RNA splicing suggest that this variant may create or strengthen a splice site, but this prediction has not been confirmed by published transcriptional studies. Algorithms developed to predict the effect of missense changes on protein structure and function are either unavailable or do not agree on the potential impact of this missense change (SIFT: "Deleterious"; PolyPhen-2: "Benign"; Align-GVGD: "Class C0"). This variant has not been reported in the literature in individuals with NPHP3-related conditions. This variant is not present in population databases (ExAC no frequency).

NM_153240.5(NPHP3):c.3857G>A (p.Arg1286Lys)

Genes: NPHP3 (nephrocystin 3; minus strand), NPHP3-ACAD11 (NPHP3-ACAD11 readthrough (NMD candidate); minus strand). Cytogenetic location: 3q22.1.
Variant type: single nucleotide variant.
Coding change: c.3857G>A on transcript NM_153240.5 (MANE Select); coding-DNA position 3857, G replaced by A.
Protein change: p.Arg1286Lys; replaces arginine 1286 with lysine.
Molecular consequence: missense variant. On other transcripts: non-coding transcript variant (1).
Genome position (GRCh38, 1-based): chr3:132,682,046, C>T on the plus strand (G>A on the coding strand, the complement: NPHP3 is on the minus strand). VCF-style: chr3-132682046-C-T. GRCh37 (hg19) VCF-style: chr3-132400890-C-T.
Other names: short protein forms R1286K.
Identifiers: ClinVar variation 1471104 (VCV001471104.8), dbSNP rs2107960602, ClinGen allele CA354578057.
Genomic context (GRCh38, chr3:132,682,046, plus strand): 5'-TGGCGTGAAGGAGCTTTTCCACCCAAGAGTGATGTTTCTGCTTCTTTTATTTCCATTGCC[C>T]TTTTGTATAATTCAGCAGCTTTTTCAAAATCTCCTCCTTCATAGCTTTGAGAGAGAAAAC-3'
Protein context (NP_694972.3, residues 1276-1296): DFEKAAELYK[Arg1286Lys]AMEIKEAETS